The following is an entry in ClinVar:

NM_001035.3(RYR2):c.6886G>A (p.Glu2296Lys)

Gene: RYR2 (ryanodine receptor 2; plus strand). Cytogenetic location: 1q43.
Variant type: single nucleotide variant.
Coding change: c.6886G>A on transcript NM_001035.3 (MANE Select); coding-DNA position 6886, G replaced by A.
Protein change: p.Glu2296Lys; replaces glutamic acid 2296 with lysine.
Molecular consequence: missense variant.
Genome position (GRCh38, 1-based): chr1:237,638,450, G>A. VCF-style: chr1-237638450-G-A. GRCh37 (hg19) VCF-style: chr1-237801750-G-A.
Other names: c.6886G>A, p.Glu2296Lys (LRG_402t1); short protein forms E2296K.
Identifiers: ClinVar variation 404218 (VCV000404218.10), dbSNP rs1060500156, ClinGen allele CA16610013.

ClinVar aggregate classification (germline): Pathogenic (1 of 4 stars; one submission).

Conditions:
Catecholaminergic polymorphic ventricular tachycardia 1. Also called: VENTRICULAR TACHYCARDIA, CATECHOLAMINERGIC POLYMORPHIC, 1, WITH OR WITHOUT ATRIAL DYSFUNCTION AND/OR DILATED CARDIOMYOPATHY; RYR2-Related Catecholaminergic Polymorphic Ventricular Tachycardia; VENTRICULAR TACHYCARDIA, STRESS-INDUCED POLYMORPHIC 1. Identifiers: Orphanet 3286, MedGen C1631597, MONDO:0011484, OMIM 604772.

Submission:

Labcorp Genetics (formerly Invitae), Labcorp
Classification: Pathogenic for Catecholaminergic polymorphic ventricular tachycardia 1. Last evaluated: 2023-12-07. Review status: criteria provided, single submitter. Criteria: Invitae Variant Classification Sherloc (09022015). Collection method: clinical testing. Allele origin: germline.
Comment: This sequence change replaces glutamic acid, which is acidic and polar, with lysine, which is basic and polar, at codon 2296 of the RYR2 protein (p.Glu2296Lys). This variant is not present in population databases (gnomAD no frequency). This missense change has been observed in individual(s) with clinical features of catecholaminergic polymorphic ventricular tachycardia (Invitae). In at least one individual the variant was observed to be de novo. ClinVar contains an entry for this variant (Variation ID: 404218). Advanced modeling of protein sequence and biophysical properties (such as structural, functional, and spatial information, amino acid conservation, physicochemical variation, residue mobility, and thermodynamic stability) performed at Invitae indicates that this missense variant is expected to disrupt RYR2 protein function with a positive predictive value of 95%. For these reasons, this variant has been classified as Pathogenic.